The following is an entry in ClinVar:

ClinVar aggregate classification (germline): Likely benign. Review status: criteria provided, multiple submitters, no conflicts (2 of 4 stars). 2 submissions from 2 submitters: Likely benign (2). Last evaluated 2025-10-01.

Conditions:
Fanconi anemia (FA). Also called: Fanconi's anemia. Identifiers: Orphanet 84, MedGen C0015625, MeSH D005199, MONDO:0019391.

Allele frequency attached by ClinVar (database versions not stated): gnomAD exomes below 0.00001; ExAC 0.00001.

Submissions (2):

CeGaT Center for Human Genetics Tuebingen
Classification: Likely benign. Last evaluated: 2025-10-01. Review status: criteria provided, single submitter. Criteria: CeGaT Center For Human Genetics Tuebingen Variant Classification Criteria Version 2. Collection method: clinical testing. Allele origin: germline. Affected: yes. Observed: 1 variant allele.
Comment: FANCM: PM2:Supporting, BP4, BP7

Labcorp Genetics (formerly Invitae), Labcorp
Classification: Likely benign for Fanconi anemia. Last evaluated: 2023-08-07. Review status: criteria provided, single submitter. Criteria: Invitae Variant Classification Sherloc (09022015). Collection method: clinical testing. Allele origin: germline.

NM_020937.4(FANCM):c.5523T>C (p.His1841=)

Gene: FANCM (FA complementation group M; plus strand). Cytogenetic location: 14q21.2.
Variant type: single nucleotide variant.
Coding change: c.5523T>C on transcript NM_020937.4 (MANE Select); coding-DNA position 5523, T replaced by C.
Protein change: p.His1841=; no amino-acid change (histidine 1841 retained).
Molecular consequence: synonymous variant.
Genome position (GRCh38, 1-based): chr14:45,196,354, T>C. VCF-style: chr14-45196354-T-C. GRCh37 (hg19) VCF-style: chr14-45665557-T-C.
Other names: c.5445T>C, p.His1815= (NM_001308133.2).
Identifiers: ClinVar variation 1124349 (VCV001124349.15), dbSNP rs753441608, ClinGen allele CA7170015.